The following is an entry in ClinVar:

NM_001289.6(CLIC2):c.251T>A (p.Ile84Asn)

Gene: CLIC2 (CLIC family member 2; minus strand). Cytogenetic location: Xq28.
Variant type: single nucleotide variant.
Coding change: c.251T>A on transcript NM_001289.6 (MANE Select); coding-DNA position 251, T replaced by A.
Protein change: p.Ile84Asn; replaces isoleucine 84 with asparagine.
Molecular consequence: missense variant.
Genome position (GRCh38, 1-based): chrX:155,298,827, A>T on the plus strand (T>A on the coding strand, the complement: CLIC2 is on the minus strand). VCF-style: chrX-155298827-A-T. GRCh37 (hg19) VCF-style: chrX-154528140-A-T.
Other names: short protein forms I84N.
Identifiers: ClinVar variation 2661878 (VCV002661878.24), dbSNP rs2520421141, ClinGen allele CA414933595.

ClinVar aggregate classification (germline): Uncertain significance (1 of 4 stars; one submission).

Submission:

CeGaT Center for Human Genetics Tuebingen
Classification: Uncertain significance. Last evaluated: 2023-10-01. Review status: criteria provided, single submitter. Criteria: CeGaT Center For Human Genetics Tuebingen Variant Classification Criteria Version 2. Collection method: clinical testing. Allele origin: germline. Affected: yes. Observed: 1 variant allele.
Comment: CLIC2: PM2